The following is an entry in ClinVar:

ClinVar aggregate classification (germline): Pathogenic. Review status: criteria provided, multiple submitters, no conflicts (2 of 4 stars). 2 submissions from 2 submitters: Pathogenic (2). Last evaluated 2025-07-27.

Conditions:
TCF12-related craniosynostosis. Also called: Craniosynostosis 3. Identifiers: Orphanet 35098, Orphanet 35099, Orphanet 672979, MedGen C3715051, MONDO:0014128, OMIM 615314.

Submissions (2):

Labcorp Genetics (formerly Invitae), Labcorp
Classification: Pathogenic. Last evaluated: 2025-07-27. Review status: criteria provided, single submitter. Criteria: Invitae Variant Classification Sherloc (09022015). Collection method: clinical testing. Allele origin: germline.
Comment: This sequence change creates a premature translational stop signal (p.Ile456Asnfs*3) in the TCF12 gene. It is expected to result in an absent or disrupted protein product. Loss-of-function variants in TCF12 are known to be pathogenic (PMID: 23354436, 32620954). This variant is not present in population databases (gnomAD no frequency). This premature translational stop signal has been observed in individual(s) with coronal synostosis (PMID: 24736737). ClinVar contains an entry for this variant (Variation ID: 127271). For these reasons, this variant has been classified as Pathogenic.

UF de Génétique Moléculaire, Hôpital Lariboisière
Classification: Pathogenic for Craniosynostosis 3. Last evaluated: 2013-09-02. Review status: criteria provided, single submitter. Criteria: Submitter's publication. Collection method: research. Allele origin: germline. Affected: yes. Study: Clinical spectrum and outcomes in families with coronal synostosis and TCF12 mutations.

Literature cited by the submitters: PubMed 23354436 (cited by Labcorp Genetics (formerly Invitae), Labcorp); PubMed 32620954 (cited by Labcorp Genetics (formerly Invitae), Labcorp); PubMed 24736737 (cited by Labcorp Genetics (formerly Invitae), Labcorp).

NM_207037.2(TCF12):c.1366dup (p.Ile456fs)

Gene: TCF12 (transcription factor 12; plus strand). Cytogenetic location: 15q21.3.
Variant type: Duplication.
Coding change: c.1366dup on transcript NM_207037.2 (MANE Select); coding-DNA position 1366, one base duplicated (A; older notation c.1366dupA).
Protein change: p.Ile456fs; shifts the reading frame from isoleucine 456.
Molecular consequence: frameshift variant.
Genome position (GRCh38, 1-based): chr15:57,253,367, A duplicated. VCF-style (leftmost placement, unchanged base first): chr15-57253366-T-TA. GRCh37 (hg19) VCF-style: chr15-57545564-T-TA.
Other names: c.856dup, p.Ile286fs (NM_001306219.3); c.586dup, p.Ile196fs (NM_001306220.3); c.1366dup, p.Ile456fs (NM_001322151.2, NM_001322152.2, NM_001322159.3 and 2 more transcripts); c.709dup, p.Ile237fs (NM_001322154.2); c.1192dup, p.Ile398fs (NM_001322156.2); c.1294dup, p.Ile432fs (NM_001322157.3, NM_001322165.2, NM_003205.4 and 1 more transcripts); c.1120dup, p.Ile374fs (NM_001322158.2); c.1363dup, p.Ile455fs (NM_001322161.2); and 2 more; short protein forms I237fs, I398fs, I444fs, I455fs, I456fs, I262fs, I286fs, I432fs.
Identifiers: ClinVar variation 127271 (VCV000127271.3), dbSNP rs730880326, ClinGen allele CA185936.